The following is an entry in ClinVar:

NM_014049.5(ACAD9):c.423C>T (p.Thr141=)

Gene: ACAD9 (acyl-CoA dehydrogenase family member 9; plus strand). Cytogenetic location: 3q21.3.
Variant type: single nucleotide variant.
Coding change: c.423C>T on transcript NM_014049.5 (MANE Select); coding-DNA position 423, C replaced by T.
Protein change: p.Thr141=; no amino-acid change (threonine 141 retained).
Molecular consequence: synonymous variant. On other transcripts: non-coding transcript variant (1).
Genome position (GRCh38, 1-based): chr3:128,895,386, C>T. VCF-style: chr3-128895386-C-T. GRCh37 (hg19) VCF-style: chr3-128614229-C-T.
Other names: c.54C>T, p.Thr18= (NM_001410805.1).
Identifiers: ClinVar variation 3026692 (VCV003026692.22), dbSNP rs1341161658, ClinGen allele CA435585001.

ClinVar aggregate classification (germline): Likely benign (1 of 4 stars; one submission).

Submission:

CeGaT Center for Human Genetics Tuebingen
Classification: Likely benign. Last evaluated: 2023-12-01. Review status: criteria provided, single submitter. Criteria: CeGaT Center For Human Genetics Tuebingen Variant Classification Criteria Version 2. Collection method: clinical testing. Allele origin: germline. Affected: yes. Observed: 1 variant allele.
Comment: ACAD9: PM2:Supporting, BP4, BP7